The following is an entry in ClinVar:

ClinVar aggregate classification (germline): Likely pathogenic (1 of 4 stars; one submission).

Conditions:
Mucopolysaccharidosis type 6 (MPS6). Also called: N-ACETYLGALACTOSAMINE-4-SULFATASE DEFICIENCY; MPS VI; MPS 6; Maroteaux Lamy syndrome; ARSB DEFICIENCY; ARYLSULFATASE B DEFICIENCY. Identifiers: Orphanet 583, MedGen C0026709, MONDO:0009661, OMIM 253200.

Submission:

Laboratory of Diagnosis and Therapy of Lysosomal Disorders, University of Padova
Classification: Likely pathogenic for Mucopolysaccharidosis type 6. Last evaluated: 2018-01-01. Review status: criteria provided, single submitter. Criteria: ACMG Guidelines, 2015. Collection method: curation. Allele origin: germline. Affected: yes.
Comment: In vitro functional studies supportive of a damaging effect on the gene product (low to no ARSB activity in homozygotes; PS3); Absent from GnomAD (PM2); Multiple lines of computational evidence support a deleterious effect on the gene product (PP3)

Literature cited by the submitters: PubMed 24677745; PubMed 24798265; PubMed 30118150.

NM_000046.5(ARSB):c.1127T>A (p.Val376Glu)

Gene: ARSB (arylsulfatase B; minus strand). Cytogenetic location: 5q14.1.
Variant type: single nucleotide variant.
Coding change: c.1127T>A on transcript NM_000046.5 (MANE Select); coding-DNA position 1127, T replaced by A.
Protein change: p.Val376Glu; replaces valine 376 with glutamic acid.
Molecular consequence: missense variant.
Genome position (GRCh38, 1-based): chr5:78,885,599, A>T on the plus strand (T>A on the coding strand, the complement: ARSB is on the minus strand). VCF-style: chr5-78885599-A-T. GRCh37 (hg19) VCF-style: chr5-78181422-A-T.
Other names: c.1127T>A, p.Val376Glu (NM_198709.3); short protein forms V376E.
Identifiers: ClinVar variation 559675 (VCV000559675.1), dbSNP rs1554079268, ClinGen allele CA360342726.